The following is an entry in ClinVar:

ClinVar aggregate classification (germline): Conflicting classifications of pathogenicity. Review status: criteria provided, conflicting classifications (1 of 4 stars). 4 submissions from 4 submitters: Likely pathogenic (1); Uncertain significance (3). Last evaluated 2026-07-27.

Conditions:
Idiopathic Pulmonary Fibrosis. Also called: Idiopathic fibrosing alveolitis, chronic form; idiopathic fibrosing alveolitis. Identifiers: Orphanet 2032, MedGen C1800706, MeSH D054990, MONDO:0800504.
Dyskeratosis congenita, autosomal dominant 2. Identifiers: MedGen C3151443, MONDO:0013521, OMIM 613989.
Dyskeratosis congenita. Identifiers: Orphanet 1775, MedGen C0265965, MONDO:0015780.

Allele frequency attached by ClinVar (database versions not stated): gnomAD 0.00001; TOPMed 0.00001.
gnomAD v4.1: 9 of 1,612,834 alleles (0.00056%); highest among the groups gnomAD compares: Admixed American, 0.0033%; no homozygotes.

Submissions (4):

Ambry Genetics
Classification: Uncertain significance for Dyskeratosis congenita. Last evaluated: 2026-07-27. Review status: criteria provided, single submitter. Criteria: Ambry Variant Classification Scheme 2023. Collection method: clinical testing. Allele origin: germline.
Comment: The p.R819C variant (also known as c.2455C>T), located in coding exon 8 of the TERT gene, results from a C to T substitution at nucleotide position 2455. The arginine at codon 819 is replaced by cysteine, an amino acid with highly dissimilar properties. This variant was reported as de novo and co-occurred with another TERT variant in an individual diagnosed with dyskeratosis congenita (Vanderver A et al. Ann Neurol, 2016 Jun;79:1031-1037). This amino acid position is well conserved in available vertebrate species. In addition, the in silico prediction for this alteration is inconclusive. Based on the available evidence, the clinical significance of this variant remains unclear.

Labcorp Genetics (formerly Invitae), Labcorp
Classification: Uncertain significance for Dyskeratosis congenita, autosomal dominant 2; Idiopathic Pulmonary Fibrosis. Last evaluated: 2023-09-15. Review status: criteria provided, single submitter. Criteria: Invitae Variant Classification Sherloc (09022015). Collection method: clinical testing. Allele origin: germline.
Comment: In summary, the available evidence is currently insufficient to determine the role of this variant in disease. Therefore, it has been classified as a Variant of Uncertain Significance. Advanced modeling of protein sequence and biophysical properties (such as structural, functional, and spatial information, amino acid conservation, physicochemical variation, residue mobility, and thermodynamic stability) performed at Invitae indicates that this missense variant is expected to disrupt TERT protein function. ClinVar contains an entry for this variant (Variation ID: 265268). This missense change has been observed in individual(s) with atypical dyskeratosis congenita with hypomyelination (PMID: 27159321). This variant is present in population databases (no rsID available, gnomAD 0.005%). This sequence change replaces arginine, which is basic and polar, with cysteine, which is neutral and slightly polar, at codon 819 of the TERT protein (p.Arg819Cys).

Sema4
Classification: Uncertain significance for Dyskeratosis congenita. Last evaluated: 2021-12-17. Review status: criteria provided, single submitter. Criteria: Sema4 Curation Guidelines. Collection method: curation. Allele origin: germline.
Comment: The TERT c.2455C>T (p.R819C) has been reported as de novo variant in one individual with atypical dyskeratosis congenita and hypomyelination (PMID: 27159321). A second TERT missense change c.1990G>A (p.Val664Met) was also identified in this individual, however the causative role of these variants remains uncertain. The reported patient also had another variant in TERT and the Flow-FISH showed altered telomere length. This variant was observed in 2/279472 chromosomes in the large and broad cohorts of the Genome Aggregation Database (PMID: 32461654). This variant has been reported in ClinVar (Variation ID: 265268). Functional studies have not been performed, and in silico predictions of the variant's effect on protein function are inconclusive. The evidence is insufficient to meet ACMG/AMP criteria for classifying the variant as benign or pathogenic. Thus, the clinical significance of this variant is currently uncertain.

GeneDx
Classification: Likely pathogenic. Last evaluated: 2016-07-20. Review status: criteria provided, single submitter. Criteria: GeneDx Variant Classification (06012015). Collection method: clinical testing. Allele origin: germline. Affected: yes.
Comment: This variant was identified via direct sequencing of the TERT gene. A second variant in the TERT gene was also observed in the reported individual in the heterozygous state (Iannotti et al., 2013); it is unclear from the abstract if segregation analysis was performed to confirm the phase of these variants in this individual. The R819C variant has also been reported previously in this individual as a de novo finding in association with dyskeratosis congenita (Vanderver et al., 2016). The R819C variant is a non-conservative amino acid substitution of a positively charged Arginine with a neutral, polar Cysteine at a residue that is not conserved across species. In silico analysis was inconsistent with regard to the effect this variant may have on the protein structure/function. Data from control individuals were not available to assess whether the R819C variant is a common benign variant in the general population. Based on review of the data in the context of the 2015 ACMG standards and guidelines for the interpretation of sequence variants (Richards et al., 2015), we now interpret R819C as a likely pathogenic variant.

Literature cited by the submitters: PubMed 27159321 (cited by 3 submitters); PubMed 35106810 (cited by Ambry Genetics).

NM_198253.3(TERT):c.2455C>T (p.Arg819Cys)

Gene: TERT (telomerase reverse transcriptase; minus strand). Cytogenetic location: 5p15.33.
Variant type: single nucleotide variant.
Coding change: c.2455C>T on transcript NM_198253.3 (MANE Select); coding-DNA position 2455, C replaced by T.
Protein change: p.Arg819Cys; replaces arginine 819 with cysteine.
Molecular consequence: missense variant.
Genome position (GRCh38, 1-based): chr5:1,271,132, G>A on the plus strand (C>T on the coding strand, the complement: TERT is on the minus strand). VCF-style: chr5-1271132-G-A. GRCh37 (hg19) VCF-style: chr5-1271247-G-A.
Other names: c.2455C>T, p.Arg819Cys (NM_001193376.3); short protein forms R819C.
Identifiers: ClinVar variation 265268 (VCV000265268.13), dbSNP rs746621306, ClinGen allele CA10588390.